The following is an entry in ClinVar:

NM_017721.5(CC2D1A):c.1940+5G>A

Gene: CC2D1A (coiled-coil and C2 domain containing 1A; plus strand). Cytogenetic location: 19p13.12.
Variant type: single nucleotide variant.
Coding change: c.1940+5G>A on transcript NM_017721.5 (MANE Select); 5 bases into the intron after coding-DNA position 1940, G replaced by A.
Molecular consequence: intron variant.
Genome position (GRCh38, 1-based): chr19:13,923,816, G>A. VCF-style: chr19-13923816-G-A. GRCh37 (hg19) VCF-style: chr19-14034629-G-A.
Identifiers: ClinVar variation 445949 (VCV000445949.3), dbSNP rs753866885, ClinGen allele CA9244857.

ClinVar aggregate classification (germline): Conflicting classifications of pathogenicity. Review status: criteria provided, conflicting classifications (1 of 4 stars). 2 submissions from 2 submitters: Uncertain significance (1); Likely benign (1). Last evaluated 2024-09-20.

Conditions:
Intellectual developmental disorder, autosomal recessive 3. Also called: Intellectual disability, autosomal recessive 3. Identifiers: Orphanet 88616, MedGen C1838023, MONDO:0012037, OMIM 608443.

Allele frequency attached by ClinVar (database versions not stated): gnomAD 0.00003; ExAC 0.00017; TOPMed 0.00004; gnomAD exomes 0.00020 and 0.00003.
gnomAD v4.1: 48 of 1,608,732 alleles (0.003%); highest among the groups gnomAD compares: Admixed American, 0.08%; no homozygotes.

Submissions (2):

3billion
Classification: Likely benign for Intellectual developmental disorder, autosomal recessive 3. Last evaluated: 2024-09-20. Review status: criteria provided, single submitter. Criteria: ACMG Guidelines, 2015. Collection method: clinical testing. Allele origin: germline. Affected: no.
Comment: The homozygous variant was found in patients diagnosed with another variant in a different gene, with no symptoms related to the gene containing the homozygous variant.

Center for Pediatric Genomic Medicine, Children's Mercy Hospital and Clinics
Classification: Uncertain significance. Last evaluated: 2017-07-07. Review status: criteria provided, single submitter. Criteria: ACMG Guidelines, 2015. Collection method: clinical testing. Allele origin: germline.